The following is an entry in ClinVar:

ClinVar aggregate classification (germline): Likely benign. Review status: criteria provided, multiple submitters, no conflicts (2 of 4 stars). 4 submissions from 4 submitters: Likely benign (3). 1 of the submissions does not count toward it. Last evaluated 2025-11-21.

Conditions:
NEB-related disorder. Also called: NEB-Related Disorders; NEB-related condition.
Nemaline myopathy 2 (NEM2). Also called: Nemaline myopathy 2, autosomal recessive. Identifiers: MedGen C1850569, MONDO:0009725, OMIM 256030.

Allele frequency attached by ClinVar (database versions not stated): gnomAD 0.00001; TOPMed 0.00007.
gnomAD v4.1: 12 of 1,595,938 alleles (0.00075%); highest among the groups gnomAD compares: East Asian, 0.0045%; no homozygotes.

Submissions (4):

PreventionGenetics, part of Exact Sciences
Classification: Likely benign for NEB-related condition. Last evaluated: 2025-11-21. Review status: criteria provided, single submitter. Criteria: ACMG Guidelines, 2015. Collection method: clinical testing. Allele origin: germline.
Comment: This variant is classified as likely benign based on ACMG/AMP sequence variant interpretation guidelines (Richards et al. 2015 PMID: 25741868, with internal and published modifications).

Labcorp Genetics (formerly Invitae), Labcorp
Classification: Likely benign for Nemaline myopathy 2. Last evaluated: 2025-10-19. Review status: criteria provided, single submitter. Criteria: Invitae Variant Classification Sherloc (09022015). Collection method: clinical testing. Allele origin: germline.

Blueprint Genetics
Classification: Likely benign. Last evaluated: 2024-07-01. Review status: criteria provided, single submitter. Criteria: ACMG Guidelines, 2015. Collection method: clinical testing. Allele origin: germline.

Natera, Inc.
Classification: Uncertain significance for Nemaline myopathy type 2. Last evaluated: 2019-11-11. Review status: no assertion criteria provided. Collection method: clinical testing. Allele origin: germline. Not counted in ClinVar's aggregate classification.

NM_001164508.2(NEB):c.25089G>A (p.Ser8363=)

Genes: NEB (nebulin; minus strand), RIF1 (replication timing regulatory factor 1; plus strand). Cytogenetic location: 2q23.3.
Variant type: single nucleotide variant.
Coding change: c.25089G>A on transcript NM_001164508.2 (MANE Select); coding-DNA position 25089, G replaced by A.
Protein change: p.Ser8363=; no amino-acid change (serine 8363 retained).
Molecular consequence: synonymous variant.
Genome position (GRCh38, 1-based): chr2:151,491,744, C>T on the plus strand (G>A on the coding strand, the complement: NEB is on the minus strand). VCF-style: chr2-151491744-C-T. GRCh37 (hg19) VCF-style: chr2-152348258-C-T.
Other names: c.25089G>A, p.Ser8363= (NM_001164507.2); c.25194G>A, p.Ser8398= (NM_001271208.2); c.19521G>A, p.Ser6507= (NM_004543.5).
Identifiers: ClinVar variation 465587 (VCV000465587.12), dbSNP rs766453942, ClinGen allele CA1905818.